The following is an entry in ClinVar:

NC_000002.12:g.178611280T>G

Genes: TTN (titin; minus strand), TTN-AS1 (TTN antisense RNA 1; plus strand). Cytogenetic location: 2q31.2.
Variant type: single nucleotide variant.
Molecular consequence: intron variant (on NM_001267550.2).
Genome position: GRCh38 VCF-style: chr2-178611280-T-G. GRCh37 (hg19) VCF-style: chr2-179476007-T-G.
Other names: c.23663-9A>C (NM_003319.4); c.24239-9A>C (NM_133437.4); c.24038-9A>C (NM_133432.3); c.43154-9A>C (NM_133378.4); c.50858-9A>C (NM_001267550.2); c.45935-9A>C (NM_001256850.1).
Identifiers: ClinVar variation 238793 (VCV000238793.17), dbSNP rs146208555, ClinGen allele CA1994287.
Genomic context (GRCh38, chr2:178,611,280, plus strand): 5'-TCACCTTCAATAACAATAATGTCATGAGTCTCCAGGTCAATTGTTGGCTTGCCTGTAAGA[T>G]ATCATTCAAAAGAGCAAAAAACAGAGTATGTCAAAATGCAATGCATGAATAAAGGGTATT-3'

ClinVar aggregate classification (germline): Benign/Likely benign. Review status: criteria provided, multiple submitters, no conflicts (2 of 4 stars). 8 submissions from 5 submitters: Benign (5); Likely benign (3). Last evaluated 2026-01-18.

Conditions:
Autosomal recessive limb-girdle muscular dystrophy type 2J (LGMDR10). Also called: MUSCULAR DYSTROPHY, LIMB-GIRDLE, AUTOSOMAL RECESSIVE 10; Limb-girdle muscular dystrophy, type 2J. Identifiers: Orphanet 140922, MedGen C1837342, MONDO:0012127, OMIM 608807.
Dilated cardiomyopathy 1G (CMD1G). Identifiers: Orphanet 154, MedGen C1858763, MONDO:0011400, OMIM 604145.
TTN-related disorder. Also called: TTN-related condition; TTN-related disease; TTN-related disorders.
Myopathy, myofibrillar, 9, with early respiratory failure (MFM9). Also called: Myopathy, distal, with early respiratory failure, autosomal dominant; EDSTROM MYOPATHY; MYOPATHY, PROXIMAL, WITH EARLY RESPIRATORY MUSCLE INVOLVEMENT; Hereditary myopathy with early respiratory failure. Identifiers: Orphanet 178464, Orphanet 34521, MedGen C1863599, MONDO:0011362, OMIM 603689.
Early-onset myopathy with fatal cardiomyopathy (CMYO5). Also called: CONGENITAL MYOPATHY 5 WITH CARDIOMYOPATHY; Salih Myopathy. Identifiers: Orphanet 289377, MedGen C2673677, MONDO:0012714, OMIM 611705. Disease mechanism: loss of function.
Tibial muscular dystrophy (TMD). Also called: Tibial muscular dystrophy, tardive; UDD MYOPATHY; Udd Distal Myopathy – Tibial Muscular Dystrophy. Identifiers: Orphanet 609, MedGen C1838244, MONDO:0010870, OMIM 600334.

Allele frequency attached by ClinVar (database versions not stated): gnomAD exomes 0.00003 and 0.00008; ExAC 0.00010; ESP Exome Variant Server 0.00033; gnomAD 0.00043 and 0.00046; TOPMed 0.00044.
gnomAD v4.1: 111 of 1,611,370 alleles (0.0069%); highest among the groups gnomAD compares: African/African-American, 0.13%; no homozygotes.

Submissions (8):

Labcorp Genetics (formerly Invitae), Labcorp
Classification: Benign for Dilated cardiomyopathy 1G; Autosomal recessive limb-girdle muscular dystrophy type 2J. Last evaluated: 2026-01-18. Review status: criteria provided, single submitter. Criteria: Invitae Variant Classification Sherloc (09022015). Collection method: clinical testing. Allele origin: germline.

PreventionGenetics, part of Exact Sciences
Classification: Likely benign for TTN-related condition. Last evaluated: 2025-07-02. Review status: criteria provided, single submitter. Criteria: ACMG Guidelines, 2015. Collection method: clinical testing. Allele origin: germline.
Comment: This variant is classified as likely benign based on ACMG/AMP sequence variant interpretation guidelines (Richards et al. 2015 PMID: 25741868, with internal and published modifications).

Blueprint Genetics
Classification: Likely benign. Last evaluated: 2024-07-10. Review status: criteria provided, single submitter. Criteria: ACMG Guidelines, 2015. Collection method: clinical testing. Allele origin: germline.

Genome-Nilou Lab
Classification: Benign for Autosomal recessive limb-girdle muscular dystrophy type 2J. Last evaluated: 2021-09-10. Review status: criteria provided, single submitter. Criteria: ACMG Guidelines, 2015. Collection method: clinical testing. Allele origin: germline. Affected: no.

Genome-Nilou Lab
Classification: Benign for Myopathy, myofibrillar, 9, with early respiratory failure. Last evaluated: 2021-09-10. Review status: criteria provided, single submitter. Criteria: ACMG Guidelines, 2015. Collection method: clinical testing. Allele origin: germline. Affected: no.

Genome-Nilou Lab
Classification: Benign for Early-onset myopathy with fatal cardiomyopathy. Last evaluated: 2021-09-10. Review status: criteria provided, single submitter. Criteria: ACMG Guidelines, 2015. Collection method: clinical testing. Allele origin: germline. Affected: no.

Genome-Nilou Lab
Classification: Benign for Tibial muscular dystrophy. Last evaluated: 2021-09-10. Review status: criteria provided, single submitter. Criteria: ACMG Guidelines, 2015. Collection method: clinical testing. Allele origin: germline. Affected: no.

GeneDx
Classification: Likely benign. Last evaluated: 2020-07-08. Review status: criteria provided, single submitter. Criteria: GeneDx Variant Classification Process June 2021. Collection method: clinical testing. Allele origin: germline. Affected: yes.